The following is an entry in ClinVar:

ClinVar aggregate classification (germline): Uncertain significance. Review status: criteria provided, multiple submitters, no conflicts (2 of 4 stars). 2 submissions from 2 submitters: Uncertain significance (2). Last evaluated 2022-09-13.

Submissions (2):

Labcorp Genetics (formerly Invitae), Labcorp
Classification: Uncertain significance. Last evaluated: 2022-09-13. Review status: criteria provided, single submitter. Criteria: Invitae Variant Classification Sherloc (09022015). Collection method: clinical testing. Allele origin: germline.
Comment: This variant has not been reported in the literature in individuals affected with COL9A3-related conditions. ClinVar contains an entry for this variant (Variation ID: 1509616). Advanced modeling of protein sequence and biophysical properties (such as structural, functional, and spatial information, amino acid conservation, physicochemical variation, residue mobility, and thermodynamic stability) performed at Invitae indicates that this missense variant is not expected to disrupt COL9A3 protein function. Algorithms developed to predict the effect of sequence changes on RNA splicing suggest that this variant may create or strengthen a splice site. In summary, the available evidence is currently insufficient to determine the role of this variant in disease. Therefore, it has been classified as a Variant of Uncertain Significance. This variant is not present in population databases (gnomAD no frequency). This sequence change replaces alanine, which is neutral and non-polar, with glycine, which is neutral and non-polar, at codon 169 of the COL9A3 protein (p.Ala169Gly).

Blueprint Genetics
Classification: Uncertain significance. Last evaluated: 2021-12-10. Review status: criteria provided, single submitter. Criteria: ACMG Guidelines, 2015. Collection method: clinical testing. Allele origin: germline.

NM_001853.4(COL9A3):c.506C>G (p.Ala169Gly)

Gene: COL9A3 (collagen type IX alpha 3 chain; plus strand). Cytogenetic location: 20q13.33.
Variant type: single nucleotide variant.
Coding change: c.506C>G on transcript NM_001853.4 (MANE Select); coding-DNA position 506, C replaced by G.
Protein change: p.Ala169Gly; replaces alanine 169 with glycine.
Molecular consequence: missense variant.
Genome position (GRCh38, 1-based): chr20:62,822,619, C>G. VCF-style: chr20-62822619-C-G. GRCh37 (hg19) VCF-style: chr20-61453971-C-G.
Other names: short protein forms A169G.
Identifiers: ClinVar variation 1509616 (VCV001509616.7), dbSNP rs2147202098, ClinGen allele CA409589689.